The following is an entry in ClinVar:

NM_000238.4(KCNH2):c.1819A>C (p.Ile607Leu)

Gene: KCNH2 (potassium voltage-gated channel subfamily H member 2; minus strand). Cytogenetic location: 7q36.1.
Variant type: single nucleotide variant.
Coding change: c.1819A>C on transcript NM_000238.4 (MANE Select); coding-DNA position 1819, A replaced by C.
Protein change: p.Ile607Leu; replaces isoleucine 607 with leucine.
Molecular consequence: missense variant. On other transcripts: non-coding transcript variant (2).
Genome position (GRCh38, 1-based): chr7:150,951,574, T>G on the plus strand (A>C on the coding strand, the complement: KCNH2 is on the minus strand). VCF-style: chr7-150951574-T-G. GRCh37 (hg19) VCF-style: chr7-150648662-T-G.
Other names: c.799A>C, p.Ile267Leu (NM_001204798.2, NM_172057.3); c.1531A>C, p.Ile511Leu (NM_001406753.1, NM_001406756.1); c.1642A>C, p.Ile548Leu (NM_001406755.1); c.1519A>C, p.Ile507Leu (NM_001406757.1); c.1819A>C, p.Ile607Leu (NM_172056.3); short protein forms I511L, I267L, I507L, I607L, I548L.
Identifiers: ClinVar variation 2727762 (VCV002727762.3), dbSNP rs1064793146, ClinGen allele CA369858015.
Genomic context (GRCh38, chr7:150,951,574, plus strand): 5'-AGCCCACACTGGTGAGGCTGCTGAAGGTGAAGTAGAGCGCCGTCACATACTTGTCCTTGA[T>G]GGAGGGGCCGCCCAGGCCGCTGCTGTTGTAGGGTTTGCCTATCTGGTCGCCCAGGTTGTG-3'
Protein context (NP_000229.1, residues 597-617): YNSSGLGGPS[Ile607Leu]KDKYVTALYF

ClinVar aggregate classification (germline): Uncertain significance (1 of 4 stars; one submission).

Conditions:
Long QT syndrome (LQTS). Identifiers: MedGen C0023976, MeSH D008133, MONDO:0002442. Disease mechanism: loss of function. Inheritance: Various modes of inheritance.

Submission:

Labcorp Genetics (formerly Invitae), Labcorp
Classification: Uncertain significance for Long QT syndrome. Last evaluated: 2025-09-08. Review status: criteria provided, single submitter. Criteria: Invitae Variant Classification Sherloc (09022015). Collection method: clinical testing. Allele origin: germline.
Comment: This sequence change replaces isoleucine, which is neutral and non-polar, with leucine, which is neutral and non-polar, at codon 607 of the KCNH2 protein (p.Ile607Leu). This variant is not present in population databases (gnomAD no frequency). This variant has not been reported in the literature in individuals affected with KCNH2-related conditions. ClinVar contains an entry for this variant (Variation ID: 2727762). An algorithm developed to predict the effect of missense changes on protein structure and function (PolyPhen-2) suggests that this variant is likely to be disruptive. In summary, the available evidence is currently insufficient to determine the role of this variant in disease. Therefore, it has been classified as a Variant of Uncertain Significance.